The following is an entry in ClinVar:

NM_174936.4(PCSK9):c.150C>T (p.Asp50=)

Gene: PCSK9 (proprotein convertase subtilisin/kexin type 9; plus strand). Cytogenetic location: 1p32.3.
Variant type: single nucleotide variant.
Coding change: c.150C>T on transcript NM_174936.4 (MANE Select); coding-DNA position 150, C replaced by T.
Protein change: p.Asp50=; no amino-acid change (aspartic acid 50 retained).
Molecular consequence: synonymous variant. On other transcripts: 5 prime UTR variant (1), non-coding transcript variant (8).
Genome position (GRCh38, 1-based): chr1:55,039,987, C>T. VCF-style: chr1-55039987-C-T. GRCh37 (hg19) VCF-style: chr1-55505660-C-T.
Other names: c.150C>T, p.Asp50= (NM_001407240.1, NM_001407241.1, NM_001407242.1 and 4 more transcripts); c.-585C>T (NM_001407246.1).
Identifiers: ClinVar variation 3009257 (VCV003009257.6), dbSNP rs889289265, ClinGen allele CA22792147.

ClinVar aggregate classification (germline): Likely benign. Review status: criteria provided, multiple submitters, no conflicts (2 of 4 stars). 4 submissions from 4 submitters: Likely benign (4). Last evaluated 2024-12-20.

Conditions:
Hypercholesterolemia, autosomal dominant, 3 (FHCL3). Also called: Familial Hypercholesterolemia, Autosomal Dominant, 3; PCSK9-Related Familial Hypercholesterolemia, Autosomal Dominant; Familial hypercholesterolemia 3. Identifiers: MedGen C1863551, MONDO:0011369, OMIM 603776.
Cardiovascular phenotype. Identifiers: MedGen CN230736.
Familial hypercholesterolemia. Also called: Familial hypercholesterolemias; Familial hypercholesterolaemia. Identifiers: MedGen C0020445, MONDO:0005439.

Allele frequency attached by ClinVar (database versions not stated): gnomAD exomes 0.00002.
gnomAD v4.1: 22 of 1,580,320 alleles (0.0014%); highest among the groups gnomAD compares: Non-Finnish European, 0.0018%; no homozygotes.

Submissions (4):

Women's Health and Genetics/Laboratory Corporation of America, LabCorp
Classification: Likely benign. Last evaluated: 2024-12-20. Review status: criteria provided, single submitter. Criteria: LabCorp Variant Classification Summary - May 2015. Collection method: clinical testing. Allele origin: germline.

GENinCode PLC
Classification: Likely benign for Familial hypercholesterolemia. Last evaluated: 2024-12-03. Review status: criteria provided, single submitter. Criteria: ACMG Guidelines, 2015. Collection method: clinical testing. Allele origin: germline.
Comment: This is a synonymous (silent) variant that is not predicted by SpliceAI to impact splicing. In addition, it occurs at a nucleotide that is not conserved. Therefore this variant has been classified as Likely Benign (BP4, BP7).

Ambry Genetics
Classification: Likely benign for Cardiovascular phenotype. Last evaluated: 2024-10-19. Review status: criteria provided, single submitter. Criteria: Ambry Variant Classification Scheme 2023. Collection method: clinical testing. Allele origin: germline.

Labcorp Genetics (formerly Invitae), Labcorp
Classification: Likely benign for Hypercholesterolemia, autosomal dominant, 3. Last evaluated: 2023-07-03. Review status: criteria provided, single submitter. Criteria: Invitae Variant Classification Sherloc (09022015). Collection method: clinical testing. Allele origin: germline.